The following is an entry in ClinVar:

NM_001346754.2(PIGW):c.853_855del (p.Ile285del)

Genes: MYO19 (myosin XIX; minus strand), PIGW (phosphatidylinositol glycan anchor biosynthesis class W; plus strand). Cytogenetic location: 17q12.
Variant type: Deletion.
Coding change: c.853_855del on transcript NM_001346754.2 (MANE Select); coding-DNA positions 853 to 855, 3 bases deleted (ATA; older notation c.853_855delATA).
Protein change: p.Ile285del; deletes isoleucine 285.
Molecular consequence: inframe deletion.
Genome position (GRCh38, 1-based): chr17:36,537,954-36,537,956, ATA deleted; deleting any 3 consecutive bases within chr17:36,537,952-36,537,956 gives the same sequence; the c. name uses the placement nearest the transcript's 3' end. VCF-style (leftmost placement, unchanged base first): chr17-36537951-TTAA-T. GRCh37 (hg19) VCF-style: chr17-34893800-TTAA-T.
Other names: c.853_855del, p.Ile285del (NM_001346755.2, NM_178517.5); short protein forms I285del.
Identifiers: ClinVar variation 4278719 (VCV004278719.1).

ClinVar aggregate classification (germline): Uncertain significance (1 of 4 stars; one submission).

Submission:

GeneDx
Classification: Uncertain significance. Last evaluated: 2025-04-01. Review status: criteria provided, single submitter. Criteria: GeneDx Variant Classification Process June 2021. Collection method: clinical testing. Allele origin: germline. Affected: yes.
Comment: In-frame deletion of 1 amino acid in a non-repeat region; Not observed at significant frequency in large population cohorts (gnomAD); In silico analysis supports a deleterious effect on protein structure/function; Has not been previously published as pathogenic or benign to our knowledge